The following is an entry in ClinVar:

NM_000812.4(GABRB1):c.1243G>A (p.Gly415Arg)

Gene: GABRB1 (gamma-aminobutyric acid type A receptor subunit beta1; plus strand). Cytogenetic location: 4p12.
Variant type: single nucleotide variant.
Coding change: c.1243G>A on transcript NM_000812.4 (MANE Select); coding-DNA position 1243, G replaced by A.
Protein change: p.Gly415Arg; replaces glycine 415 with arginine.
Molecular consequence: missense variant.
Genome position (GRCh38, 1-based): chr4:47,425,836, G>A. VCF-style: chr4-47425836-G-A. GRCh37 (hg19) VCF-style: chr4-47427853-G-A.
Other names: short protein forms G415R.
Identifiers: ClinVar variation 1381422 (VCV001381422.8), dbSNP rs373654564, ClinGen allele CA356767445.

ClinVar aggregate classification (germline): Uncertain significance (1 of 4 stars; one submission).

Allele frequency attached by ClinVar (database versions not stated): TOPMed below 0.00001; gnomAD 0.00001.

Submission:

Labcorp Genetics (formerly Invitae), Labcorp
Classification: Uncertain significance. Last evaluated: 2023-05-05. Review status: criteria provided, single submitter. Criteria: Invitae Variant Classification Sherloc (09022015). Collection method: clinical testing. Allele origin: germline.
Comment: Advanced modeling of protein sequence and biophysical properties (such as structural, functional, and spatial information, amino acid conservation, physicochemical variation, residue mobility, and thermodynamic stability) performed at Invitae indicates that this missense variant is not expected to disrupt GABRB1 protein function. ClinVar contains an entry for this variant (Variation ID: 1381422). This variant has not been reported in the literature in individuals affected with GABRB1-related conditions. This variant is not present in population databases (gnomAD no frequency). This sequence change replaces glycine, which is neutral and non-polar, with arginine, which is basic and polar, at codon 415 of the GABRB1 protein (p.Gly415Arg). In summary, the available evidence is currently insufficient to determine the role of this variant in disease. Therefore, it has been classified as a Variant of Uncertain Significance.